The following is an entry in ClinVar:

NM_003356.4(UCP3):c.508G>A (p.Ala170Thr)

Gene: UCP3 (uncoupling protein 3; minus strand). Cytogenetic location: 11q13.4.
Variant type: single nucleotide variant.
Coding change: c.508G>A on transcript NM_003356.4 (MANE Select); coding-DNA position 508, G replaced by A.
Protein change: p.Ala170Thr; replaces alanine 170 with threonine.
Molecular consequence: missense variant.
Genome position (GRCh38, 1-based): chr11:74,005,763, C>T on the plus strand (G>A on the coding strand, the complement: UCP3 is on the minus strand). VCF-style: chr11-74005763-C-T. GRCh37 (hg19) VCF-style: chr11-73716808-C-T.
Other names: c.508G>A, p.Ala170Thr (NM_022803.3); short protein forms A170T.
Identifiers: ClinVar variation 4985816 (VCV004985816.1).

ClinVar aggregate classification (germline): Uncertain significance (1 of 4 stars; one submission).

Conditions:
UCP3-related disorder. Also called: UCP3-related condition.

gnomAD v4.1: 36 of 1,614,214 alleles (0.0022%); highest among the groups gnomAD compares: Non-Finnish European, 0.0026%; no homozygotes.

Submission:

PreventionGenetics, part of Exact Sciences
Classification: Uncertain significance for UCP3-related condition. Last evaluated: 2025-06-02. Review status: criteria provided, single submitter. Criteria: ACMG Guidelines, 2015. Collection method: clinical testing. Allele origin: germline.
Comment: The UCP3 c.508G>A variant is predicted to result in the amino acid substitution p.Ala170Thr. To our knowledge, this variant has not been reported in the literature or in a large population database, indicating this variant is rare. At this time, the clinical significance of this variant is uncertain due to the absence of conclusive functional and genetic evidence.